The following is an entry in ClinVar:

ClinVar aggregate classification (germline): Uncertain significance. Review status: criteria provided, multiple submitters, no conflicts (2 of 4 stars). 2 submissions from 2 submitters: Uncertain significance (2). Last evaluated 2026-03-08.

Conditions:
WNK1-related disorder. Also called: WNK1-related condition.
Neuropathy, hereditary sensory and autonomic, type 2A (HSAN2A). Also called: ACROOSTEOLYSIS, GIACCAI TYPE; ACROOSTEOLYSIS, NEUROGENIC; WNK1-Related HSAN2 (HSAN2A); HSAN IIA; MORVAN DISEASE; NEUROPATHY, CONGENITAL SENSORY. Identifiers: Orphanet 970, MedGen C2752089, MONDO:0024309, OMIM 201300.
Pseudohypoaldosteronism type 2C (PHA2C). Also called: Pseudohypoaldosteronism Type IIC. Identifiers: Orphanet 757, Orphanet 88940, MedGen C1840391, MONDO:0013778, OMIM 614492.

Allele frequency attached by ClinVar (database versions not stated): gnomAD 0.00001 and 0.00002; gnomAD exomes 0.00001.
gnomAD v4.1: 18 of 1,535,494 alleles (0.0012%); highest among the groups gnomAD compares: African/African-American, 0.0027%; no homozygotes.

Submissions (2):

PreventionGenetics, part of Exact Sciences
Classification: Uncertain significance for WNK1-related condition. Last evaluated: 2026-03-08. Review status: criteria provided, single submitter. Criteria: ACMG Guidelines, 2015. Collection method: clinical testing. Allele origin: germline.
Comment: The WNK1 c.2219T>C variant is predicted to result in the amino acid substitution p.Leu740Pro. Of note, this variant can also be referred to as c.2140-2677T>C in the alternative isoform, NM_001184985. To our knowledge, this variant has not been reported in the literature. This variant is reported in 0.0019% of alleles in individuals of European (Non-Finnish) descent in gnomAD. At this time, the clinical significance of this variant is uncertain due to the absence of conclusive functional and genetic evidence.

Labcorp Genetics (formerly Invitae), Labcorp
Classification: Uncertain significance for Neuropathy, hereditary sensory and autonomic, type 2A; Pseudohypoaldosteronism type 2C. Last evaluated: 2024-10-05. Review status: criteria provided, single submitter. Criteria: Invitae Variant Classification Sherloc (09022015). Collection method: clinical testing. Allele origin: germline.
Comment: This sequence change replaces leucine, which is neutral and non-polar, with proline, which is neutral and non-polar, at codon 740 of the WNK1 protein (p.Leu740Pro). This variant is present in population databases (rs72649847, gnomAD 0.002%). This variant has not been reported in the literature in individuals affected with WNK1-related conditions. ClinVar contains an entry for this variant (Variation ID: 1469852). Invitae Evidence Modeling of protein sequence and biophysical properties (such as structural, functional, and spatial information, amino acid conservation, physicochemical variation, residue mobility, and thermodynamic stability) indicates that this missense variant is not expected to disrupt WNK1 protein function with a negative predictive value of 95%. In summary, the available evidence is currently insufficient to determine the role of this variant in disease. Therefore, it has been classified as a Variant of Uncertain Significance.

NM_213655.5(WNK1):c.2219T>C (p.Leu740Pro)

Gene: WNK1 (WNK lysine deficient protein kinase 1; plus strand). Cytogenetic location: 12p13.33.
Variant type: single nucleotide variant.
Coding change: c.2219T>C on transcript NM_213655.5 (MANE Plus Clinical); coding-DNA position 2219, T replaced by C.
Protein change: p.Leu740Pro; replaces leucine 740 with proline.
Molecular consequence: missense variant. On other transcripts: intron variant (3).
Genome position (GRCh38, 1-based): chr12:865,189, T>C. VCF-style: chr12-865189-T-C. GRCh37 (hg19) VCF-style: chr12-974355-T-C.
Other names: c.2219T>C (NM_213655.4); c.2140-2677T>C (NM_001184985.2); c.2139+2919T>C (NM_018979.4, NM_014823.3); short protein forms L740P.
Identifiers: ClinVar variation 1469852 (VCV001469852.7), dbSNP rs72649847, ClinGen allele CA231495595.